The following is an entry in ClinVar:

NM_000138.5(FBN1):c.2979C>A (p.Cys993Ter)

Gene: FBN1 (fibrillin 1; minus strand). Cytogenetic location: 15q21.1.
Variant type: single nucleotide variant.
Coding change: c.2979C>A on transcript NM_000138.5 (MANE Select); coding-DNA position 2979, C replaced by A.
Protein change: p.Cys993Ter; replaces cysteine 993 with a stop codon.
Molecular consequence: nonsense.
Genome position (GRCh38, 1-based): chr15:48,489,954, G>T on the plus strand (C>A on the coding strand, the complement: FBN1 is on the minus strand). VCF-style: chr15-48489954-G-T. GRCh37 (hg19) VCF-style: chr15-48782151-G-T.
Other names: c.2979C>A, p.Cys993Ter (NM_001406716.1); short protein forms C993*.
Identifiers: ClinVar variation 2950783 (VCV002950783.3), dbSNP rs150126098, ClinGen allele CA392329290.

ClinVar aggregate classification (germline): Pathogenic (1 of 4 stars; one submission).

Conditions:
Marfan syndrome (MFS). Also called: MARFAN SYNDROME, TYPE I; Marfan syndrome type 1; Marfan's syndrome; Marfan syndrome, classic; FBN1-Related Marfan Syndrome. Identifiers: Orphanet 284963, Orphanet 558, MedGen C0024796, MONDO:0007947, OMIM 154700.
Familial thoracic aortic aneurysm and aortic dissection (TAAD). Also called: Thoracic aortic aneurysms and dissections. Identifiers: Orphanet 91387, MedGen C4707243, MONDO:0019625.

Submission:

Labcorp Genetics (formerly Invitae), Labcorp
Classification: Pathogenic for Marfan syndrome; Familial thoracic aortic aneurysm and aortic dissection. Last evaluated: 2023-10-18. Review status: criteria provided, single submitter. Criteria: Invitae Variant Classification Sherloc (09022015). Collection method: clinical testing. Allele origin: germline.
Comment: This sequence change creates a premature translational stop signal (p.Cys993*) in the FBN1 gene. It is expected to result in an absent or disrupted protein product. Loss-of-function variants in FBN1 are known to be pathogenic (PMID: 17657824, 19293843). This variant is not present in population databases (gnomAD no frequency). This variant has not been reported in the literature in individuals affected with FBN1-related conditions. For these reasons, this variant has been classified as Pathogenic.

Literature cited by the submitters: PubMed 17657824; PubMed 19293843.